The following is an entry in ClinVar:

ClinVar aggregate classification (germline): Likely benign (1 of 4 stars; one submission).

Conditions:
Wilson disease (WND). Also called: Wilson's disease. Identifiers: Orphanet 905, MedGen C0019202, MONDO:0010200, OMIM 277900. Disease mechanism: loss of function.

Submission:

All of Us Research Program, National Institutes of Health
Classification: Likely benign for Wilson disease. Last evaluated: 2023-07-22. Review status: criteria provided, single submitter. Criteria: ACMG Guidelines, 2015. Collection method: clinical testing. Allele origin: germline. Inheritance: Autosomal recessive inheritance. Observed: 1 variant allele, 1 heterozygote.
Comment: This study involves interpretation of variants in research participants for the purpose of population health screening. Participant phenotype was not available at the time of variant classification. Additional details can be found in publication PMID: 35346344, PMCID: PMC8962531

NM_000053.4(ATP7B):c.69T>G (p.Ser23=)

Gene: ATP7B (ATPase copper transporting beta; minus strand). Cytogenetic location: 13q14.3.
Variant type: single nucleotide variant.
Coding change: c.69T>G on transcript NM_000053.4 (MANE Select); coding-DNA position 69, T replaced by G.
Protein change: p.Ser23=; no amino-acid change (serine 23 retained).
Molecular consequence: synonymous variant. On other transcripts: 5 prime UTR variant (7).
Genome position (GRCh38, 1-based): chr13:51,975,151, A>C on the plus strand (T>G on the coding strand, the complement: ATP7B is on the minus strand). VCF-style: chr13-51975151-A-C. GRCh37 (hg19) VCF-style: chr13-52549287-A-C.
Other names: c.69T>G, p.Ser23= (NM_001406514.1, NM_001406515.1, NM_001406516.1 and 30 more transcripts); c.-28T>G (NM_001406517.1, NM_001406518.1, NM_001406530.1 and 4 more transcripts).
Identifiers: ClinVar variation 3072538 (VCV003072538.1), dbSNP rs1952044113, ClinGen allele CA484025529.